The following is an entry in ClinVar:

NM_005902.4(SMAD3):c.218G>A (p.Gly73Asp)

Gene: SMAD3 (SMAD family member 3; plus strand). Cytogenetic location: 15q22.33.
Variant type: single nucleotide variant.
Coding change: c.218G>A on transcript NM_005902.4 (MANE Select); coding-DNA position 218, G replaced by A.
Protein change: p.Gly73Asp; replaces glycine 73 with aspartic acid.
Molecular consequence: missense variant. On other transcripts: 5 prime UTR variant (3).
Genome position (GRCh38, 1-based): chr15:67,164,906, G>A. VCF-style: chr15-67164906-G-A. GRCh37 (hg19) VCF-style: chr15-67457244-G-A.
Other names: c.218G>A (NM_005902.3); c.-98G>A (NM_001145102.2, NM_001407015.1, NM_001407016.1); c.86G>A, p.Gly29Asp (NM_001145103.2); c.218G>A, p.Gly73Asp (NM_001407011.1, NM_001407012.1, NM_001407013.1); c.71G>A, p.Gly24Asp (NM_001407014.1); short protein forms G24D, G29D, G73D.
Identifiers: ClinVar variation 3690284 (VCV003690284.3).
Genomic context (GRCh38, chr15:67,164,906, plus strand): 5'-AAGCACAATCCACATTTCCCTCTCTTTCTGCCCCTCCCCGTCCTGGCAGGTCCCTGGATG[G>A]CCGGTTGCAGGTGTCCCATCGGAAGGGGCTCCCTCATGTCATCTACTGCCGCCTGTGGCG-3'
Protein context (NP_005893.1, residues 63-83): KCITIPRSLD[Gly73Asp]RLQVSHRKGL

ClinVar aggregate classification (germline): Uncertain significance. Review status: criteria provided, multiple submitters, no conflicts (2 of 4 stars). 2 submissions from 2 submitters: Uncertain significance (2). Last evaluated 2025-05-27.

Conditions:
Familial thoracic aortic aneurysm and aortic dissection (TAAD). Also called: Thoracic aortic aneurysms and dissections. Identifiers: Orphanet 91387, MedGen C4707243, MONDO:0019625.

Submissions (2):

Ambry Genetics
Classification: Uncertain significance for Familial thoracic aortic aneurysm and aortic dissection. Last evaluated: 2025-05-27. Review status: criteria provided, single submitter. Criteria: Ambry Variant Classification Scheme 2023. Collection method: clinical testing. Allele origin: germline.
Comment: The p.G73D variant (also known as c.218G>A), located in coding exon 2 of the SMAD3 gene, results from a G to A substitution at nucleotide position 218. The glycine at codon 73 is replaced by aspartic acid, an amino acid with similar properties. This amino acid position is conserved. In addition, this alteration is predicted to be deleterious by in silico analysis. Based on the available evidence, the clinical significance of this variant remains unclear.

Labcorp Genetics (formerly Invitae), Labcorp
Classification: Uncertain significance for Familial thoracic aortic aneurysm and aortic dissection. Last evaluated: 2024-04-04. Review status: criteria provided, single submitter. Criteria: Invitae Variant Classification Sherloc (09022015). Collection method: clinical testing. Allele origin: germline.
Comment: This sequence change replaces glycine, which is neutral and non-polar, with aspartic acid, which is acidic and polar, at codon 73 of the SMAD3 protein (p.Gly73Asp). This variant is not present in population databases (gnomAD no frequency). This variant has not been reported in the literature in individuals affected with SMAD3-related conditions. Advanced modeling of protein sequence and biophysical properties (such as structural, functional, and spatial information, amino acid conservation, physicochemical variation, residue mobility, and thermodynamic stability) has been performed at Invitae for this missense variant, however the output from this modeling did not meet the statistical confidence thresholds required to predict the impact of this variant on SMAD3 protein function. In summary, the available evidence is currently insufficient to determine the role of this variant in disease. Therefore, it has been classified as a Variant of Uncertain Significance.